The following is an entry in ClinVar:

NM_144997.7(FLCN):c.835A>G (p.Thr279Ala)

Gene: FLCN (folliculin; minus strand). Cytogenetic location: 17p11.2.
Variant type: single nucleotide variant.
Coding change: c.835A>G on transcript NM_144997.7 (MANE Select); coding-DNA position 835, A replaced by G.
Protein change: p.Thr279Ala; replaces threonine 279 with alanine.
Molecular consequence: missense variant.
Genome position (GRCh38, 1-based): chr17:17,221,573, T>C on the plus strand (A>G on the coding strand, the complement: FLCN is on the minus strand). VCF-style: chr17-17221573-T-C. GRCh37 (hg19) VCF-style: chr17-17124887-T-C.
Other names: c.889A>G, p.Thr297Ala (NM_001353229.2); c.835A>G, p.Thr279Ala (NM_001353230.2, NM_001353231.2, NM_144606.7); short protein forms T297A, T279A.
Identifiers: ClinVar variation 1040044 (VCV001040044.11), dbSNP rs2047090568, ClinGen allele CA398533690.

ClinVar aggregate classification (germline): Uncertain significance. Review status: criteria provided, multiple submitters, no conflicts (2 of 4 stars). 3 submissions from 3 submitters: Uncertain significance (3). Last evaluated 2026-07-03.

Conditions:
Birt-Hogg-Dube syndrome. Also called: Birt Hogg Dubé syndrome. Identifiers: Orphanet 122, MedGen C0346010, MONDO:0800444.
Hereditary cancer-predisposing syndrome. Also called: Tumor predisposition; Hereditary Cancer Syndrome; Hereditary neoplastic syndrome; Neoplastic Syndromes, Hereditary. Identifiers: Orphanet 140162, MedGen C0027672, MeSH D009386, MONDO:0015356.
FLCN-related disorder. Also called: FLCN-related condition.

Allele frequency attached by ClinVar (database versions not stated): TOPMed 0.00003; gnomAD exomes below 0.00001; gnomAD 0.00002.
gnomAD v4.1: 6 of 1,611,752 alleles (0.00037%); highest among the groups gnomAD compares: Admixed American, 0.0033%; no homozygotes.

Submissions (3):

Ambry Genetics
Classification: Uncertain significance for Hereditary cancer-predisposing syndrome. Last evaluated: 2026-07-03. Review status: criteria provided, single submitter. Criteria: Ambry Variant Classification Scheme 2023. Collection method: clinical testing. Allele origin: germline.

Labcorp Genetics (formerly Invitae), Labcorp
Classification: Uncertain significance for Birt-Hogg-Dube syndrome. Last evaluated: 2025-11-26. Review status: criteria provided, single submitter. Criteria: Invitae Variant Classification Sherloc (09022015). Collection method: clinical testing. Allele origin: germline.
Comment: This sequence change replaces threonine, which is neutral and polar, with alanine, which is neutral and non-polar, at codon 279 of the FLCN protein (p.Thr279Ala). This variant is not present in population databases (gnomAD no frequency). This variant has not been reported in the literature in individuals affected with FLCN-related conditions. ClinVar contains an entry for this variant (Variation ID: 1040044). Invitae Evidence Modeling of protein sequence and biophysical properties (such as structural, functional, and spatial information, amino acid conservation, physicochemical variation, residue mobility, and thermodynamic stability) indicates that this missense variant is not expected to disrupt FLCN protein function with a negative predictive value of 80%. In summary, the available evidence is currently insufficient to determine the role of this variant in disease. Therefore, it has been classified as a Variant of Uncertain Significance.

PreventionGenetics, part of Exact Sciences
Classification: Uncertain significance for FLCN-related condition. Last evaluated: 2024-11-06. Review status: criteria provided, single submitter. Criteria: ACMG Guidelines, 2015. Collection method: clinical testing. Allele origin: germline.
Comment: The FLCN c.835A>G variant is predicted to result in the amino acid substitution p.Thr279Ala. To our knowledge, this variant has not been reported in the literature or in a large population database (gnomAD), indicating this variant is rare. This variant is classified as a variant of uncertain significance in ClinVar. At this time, the clinical significance of this variant is uncertain due to the absence of conclusive functional and genetic evidence.